The following is an entry in ClinVar:

ClinVar aggregate classification (germline): Uncertain significance. Review status: criteria provided, multiple submitters, no conflicts (2 of 4 stars). 3 submissions from 3 submitters: Uncertain significance (3). Last evaluated 2024-09-18.

Conditions:
Hereditary spastic paraplegia 7 (SPG7). Also called: Spastic paraplegia 7; Hereditary spastic paraplegia Paraplegin type; SPASTIC PARAPLEGIA 7, AUTOSOMAL RECESSIVE, WITH OR WITHOUT CEREBELLAR ATAXIA; Autosomal recessive spastic paraplegia type 7; SPG7-related neurologic disorder. Identifiers: Orphanet 99013, MedGen C1846564, MONDO:0011803, OMIM 607259.
Inborn genetic diseases. Identifiers: MedGen C0950123, MeSH D030342.

Allele frequency attached by ClinVar (database versions not stated): gnomAD exomes below 0.00001; gnomAD 0.00001; TOPMed 0.00003.
gnomAD v4.1: 54 of 1,613,156 alleles (0.0033%); highest among the groups gnomAD compares: Non-Finnish European, 0.0042%; no homozygotes.

Submissions (3):

Ambry Genetics
Classification: Uncertain significance for Inborn genetic diseases. Last evaluated: 2024-09-18. Review status: criteria provided, single submitter. Criteria: Ambry Variant Classification Scheme 2023. Collection method: clinical testing. Allele origin: germline.

Labcorp Genetics (formerly Invitae), Labcorp
Classification: Uncertain significance for Hereditary spastic paraplegia 7. Last evaluated: 2024-06-02. Review status: criteria provided, single submitter. Criteria: Invitae Variant Classification Sherloc (09022015). Collection method: clinical testing. Allele origin: germline.
Comment: This sequence change replaces tyrosine, which is neutral and polar, with cysteine, which is neutral and slightly polar, at codon 659 of the SPG7 protein (p.Tyr659Cys). This variant is present in population databases (no rsID available, gnomAD 0.0009%). This variant has not been reported in the literature in individuals affected with SPG7-related conditions. ClinVar contains an entry for this variant (Variation ID: 1341590). Advanced modeling of protein sequence and biophysical properties (such as structural, functional, and spatial information, amino acid conservation, physicochemical variation, residue mobility, and thermodynamic stability) has been performed at Invitae for this missense variant, however the output from this modeling did not meet the statistical confidence thresholds required to predict the impact of this variant on SPG7 protein function. In summary, the available evidence is currently insufficient to determine the role of this variant in disease. Therefore, it has been classified as a Variant of Uncertain Significance.

GeneDx
Classification: Uncertain significance. Last evaluated: 2022-02-09. Review status: criteria provided, single submitter. Criteria: GeneDx Variant Classification Process June 2021. Collection method: clinical testing. Allele origin: germline. Affected: yes.
Comment: Not observed at significant frequency in large population cohorts (gnomAD); In silico analysis supports that this missense variant has a deleterious effect on protein structure/function; Has not been previously published as pathogenic or benign to our knowledge; This variant is associated with the following publications: (PMID: 22571692, AKHTAR2021[ARTICLE])

NM_003119.4(SPG7):c.1976A>G (p.Tyr659Cys)

Gene: SPG7 (SPG7 matrix AAA peptidase subunit, paraplegin; plus strand). Cytogenetic location: 16q24.3.
Variant type: single nucleotide variant.
Coding change: c.1976A>G on transcript NM_003119.4 (MANE Select); coding-DNA position 1976, A replaced by G.
Protein change: p.Tyr659Cys; replaces tyrosine 659 with cysteine.
Molecular consequence: missense variant.
Genome position (GRCh38, 1-based): chr16:89,553,833, A>G. VCF-style: chr16-89553833-A-G. GRCh37 (hg19) VCF-style: chr16-89620241-A-G.
Other names: c.1976A>G, p.Tyr659Cys (NM_001363850.1); short protein forms Y659C.
Identifiers: ClinVar variation 1341590 (VCV001341590.5), dbSNP rs1052772091, ClinGen allele CA286567920.
Genomic context (GRCh38, chr16:89,553,833, plus strand): 5'-TGTCTCGACCCCGCCCTCCAGGGGCACAGGACGACCTGAGGAAGGTCACCCGCATCGCCT[A>G]CTCCATGGTGAAGCAGTTTGGGATGGCACCTGGCATCGGGCCCATCTCCTTCCCTGAGGC-3'
Protein context (NP_003110.1, residues 649-669): DDLRKVTRIA[Tyr659Cys]SMVKQFGMAP